The following is an entry in ClinVar:

NM_015512.5(DNAH1):c.3188C>G (p.Thr1063Ser)

Gene: DNAH1 (dynein axonemal heavy chain 1; plus strand). Cytogenetic location: 3p21.1.
Variant type: single nucleotide variant.
Coding change: c.3188C>G on transcript NM_015512.5 (MANE Select); coding-DNA position 3188, C replaced by G.
Protein change: p.Thr1063Ser; replaces threonine 1063 with serine.
Molecular consequence: missense variant.
Genome position (GRCh38, 1-based): chr3:52,353,263, C>G. VCF-style: chr3-52353263-C-G. GRCh37 (hg19) VCF-style: chr3-52387279-C-G.
Other names: short protein forms T1063S.
Identifiers: ClinVar variation 4794613 (VCV004794613.1).

ClinVar aggregate classification (germline): Uncertain significance (1 of 4 stars; one submission).

Conditions:
Spermatogenic failure 18. Identifiers: MedGen C4539783, MONDO:0054615, OMIM 617576.
Ciliary dyskinesia, primary, 37 (CILD37). Also called: CILIARY DYSKINESIA, PRIMARY, 37, WITH OR WITHOUT SITUS INVERSUS. Identifiers: MedGen C4539798, MONDO:0033204, OMIM 617577.

Submission:

Labcorp Genetics (formerly Invitae), Labcorp
Classification: Uncertain significance for Ciliary dyskinesia, primary, 37; Spermatogenic failure 18. Last evaluated: 2025-12-20. Review status: criteria provided, single submitter. Criteria: Invitae Variant Classification Sherloc (09022015). Collection method: clinical testing. Allele origin: germline.
Comment: This sequence change replaces threonine, which is neutral and polar, with serine, which is neutral and polar, at codon 1063 of the DNAH1 protein (p.Thr1063Ser). This variant is not present in population databases (gnomAD no frequency). This variant has not been reported in the literature in individuals affected with DNAH1-related conditions. Invitae Evidence Modeling of protein sequence and biophysical properties (such as structural, functional, and spatial information, amino acid conservation, physicochemical variation, residue mobility, and thermodynamic stability) indicates that this missense variant is not expected to disrupt DNAH1 protein function with a negative predictive value of 80%. In summary, the available evidence is currently insufficient to determine the role of this variant in disease. Therefore, it has been classified as a Variant of Uncertain Significance.